The following is an entry in ClinVar:

ClinVar aggregate classification (germline): Conflicting classifications of pathogenicity. Review status: criteria provided, conflicting classifications (1 of 4 stars). 2 submissions from 2 submitters: Uncertain significance (1); Likely benign (1). Last evaluated 2025-09-10.

Conditions:
Developmental and epileptic encephalopathy, 9 (DEE9). Also called: Early infantile epileptic encephalopathy 9; EPILEPSY, FEMALE-RESTRICTED, WITH MENTAL RETARDATION; JUBERG-HELLMAN SYNDROME; PCDH19-Related X-Linked Female-Limited Epilepsy with Mental Retardation. Identifiers: Orphanet 101039, Orphanet 2076, MedGen C1848137, MONDO:0010246, OMIM 300088. Disease mechanism: loss of function.

Allele frequency attached by ClinVar (database versions not stated): gnomAD 0.00001.
gnomAD v4.1: 10 of 1,208,397 alleles (0.00083%); highest among the groups gnomAD compares: Non-Finnish European, 0.00089%; no homozygotes.

Submissions (2):

Labcorp Genetics (formerly Invitae), Labcorp
Classification: Uncertain significance for Developmental and epileptic encephalopathy, 9. Last evaluated: 2025-09-10. Review status: criteria provided, single submitter. Criteria: Invitae Variant Classification Sherloc (09022015). Collection method: clinical testing. Allele origin: germline.
Comment: This sequence change replaces leucine, which is neutral and non-polar, with phenylalanine, which is neutral and non-polar, at codon 1069 of the PCDH19 protein (p.Leu1069Phe). The frequency data for this variant in the population databases is considered unreliable, as metrics indicate poor data quality at this position in the gnomAD database. This variant has not been reported in the literature in individuals affected with PCDH19-related conditions. ClinVar contains an entry for this variant (Variation ID: 1980442). Invitae Evidence Modeling of protein sequence and biophysical properties (such as structural, functional, and spatial information, amino acid conservation, physicochemical variation, residue mobility, and thermodynamic stability) indicates that this missense variant is not expected to disrupt PCDH19 protein function with a negative predictive value of 95%. In summary, the available evidence is currently insufficient to determine the role of this variant in disease. Therefore, it has been classified as a Variant of Uncertain Significance.

CeGaT Center for Human Genetics Tuebingen
Classification: Likely benign. Last evaluated: 2025-08-01. Review status: criteria provided, single submitter. Criteria: CeGaT Center For Human Genetics Tuebingen Variant Classification Criteria Version 2. Collection method: clinical testing. Allele origin: germline. Affected: yes. Observed: 1 variant allele.
Comment: PCDH19: BP4, BS2

NM_001184880.2(PCDH19):c.3205C>T (p.Leu1069Phe)

Gene: PCDH19 (protocadherin 19; minus strand). Cytogenetic location: Xq22.1.
Variant type: single nucleotide variant.
Coding change: c.3205C>T on transcript NM_001184880.2 (MANE Select); coding-DNA position 3205, C replaced by T.
Protein change: p.Leu1069Phe; replaces leucine 1069 with phenylalanine.
Molecular consequence: missense variant.
Genome position (GRCh38, 1-based): chrX:100,296,519, G>A on the plus strand (C>T on the coding strand, the complement: PCDH19 is on the minus strand). VCF-style: chrX-100296519-G-A. GRCh37 (hg19) VCF-style: chrX-99551517-G-A.
Other names: c.3064C>T, p.Leu1022Phe (NM_001105243.2); c.3061C>T, p.Leu1021Phe (NM_020766.3); short protein forms L1022F, L1021F, L1069F.
Identifiers: ClinVar variation 1980442 (VCV001980442.12), dbSNP rs1403828540, ClinGen allele CA413999996.
Genomic context (GRCh38, chrX:100,296,519, plus strand): 5'-GAGCCAGGGCAATGGTGTAAGACACGGAAGGCTTGGTGGGCAGAGAGCTCTTGAGGTGGA[G>A]GGGGGAGGTGACAGGGCTAATCGCCTCACAGCCATTGCCTGCCTCCCGGATAACGCTGTT-3'
Protein context (NP_001171809.1, residues 1059-1079): CEAISPVTSP[Leu1069Phe]HLKSSLPTKP